The following is an entry in ClinVar:

ClinVar aggregate classification (germline): Conflicting classifications of pathogenicity. Review status: criteria provided, conflicting classifications (1 of 4 stars). 2 submissions from 2 submitters: Uncertain significance (1); Likely benign (1). Last evaluated 2023-12-04.

Conditions:
Hereditary cancer-predisposing syndrome. Also called: Neoplastic Syndromes, Hereditary; Tumor predisposition; Hereditary Cancer Syndrome; Hereditary neoplastic syndrome. Identifiers: Orphanet 140162, MedGen C0027672, MeSH D009386, MONDO:0015356.

Submissions (2):

Color Diagnostics, LLC DBA Color Health
Classification: Uncertain significance for Hereditary cancer-predisposing syndrome. Last evaluated: 2023-12-04. Review status: criteria provided, single submitter. Criteria: ACMG Guidelines, 2015. Collection method: clinical testing. Allele origin: germline.
Comment: This missense variant replaces leucine with serine at codon 1522 of the BRCA2 protein. Computational prediction tools and conservation analyses are inconclusive regarding the impact of this variant on protein structure and function. Splice site prediction tools suggest that this variant may not impact RNA splicing. To our knowledge, functional studies have not been performed for this variant. This variant has not been reported in individuals affected with hereditary cancer in the literature. This variant has not been identified in the general population by the Genome Aggregation Database (gnomAD). The available evidence is insufficient to determine the role of this variant in disease conclusively. Therefore, this variant is classified as a Variant of Uncertain Significance.

University of Washington Department of Laboratory Medicine, University of Washington
Classification: Likely benign for Hereditary cancer-predisposing syndrome. Last evaluated: 2023-03-23. Review status: criteria provided, single submitter. Criteria: Dines et al. (Genet Med. 2020). Collection method: curation. Allele origin: germline.
Comment: Missense variant in a coldspot region where missense variants are very unlikely to be pathogenic (PMID:31911673).

BRCA2 exon 11 coldspot. Reclassification based on statistical prior probability.

NM_000059.4(BRCA2):c.4563_4565delinsGTC (p.Leu1522Ser)

Gene: BRCA2 (BRCA2 DNA repair associated; plus strand). Cytogenetic location: 13q13.1.
Variant type: Indel.
Coding change: c.4563_4565delinsGTC on transcript NM_000059.4 (MANE Select); coding-DNA positions 4563 to 4565, ATT replaced by GTC.
Protein change: p.Leu1522Ser; replaces leucine 1522 with serine.
Molecular consequence: missense variant.
Genome position (GRCh38, 1-based): chr13:32,338,918-32,338,920, ATT replaced by GTC. VCF-style: chr13-32338918-ATT-GTC. GRCh37 (hg19) VCF-style: chr13-32913055-ATT-GTC.
Other names: short protein forms L1522S.
Identifiers: ClinVar variation 925693 (VCV000925693.7), dbSNP rs2072507831, ClinGen allele CA1139663212.